The following is an entry in ClinVar:

ClinVar aggregate classification (germline): Uncertain significance (1 of 4 stars; one submission).

Allele frequency attached by ClinVar (database versions not stated): gnomAD exomes below 0.00001.
gnomAD v4.1: 1 of 1,614,156 alleles (0.000062%); highest among the groups gnomAD compares: Non-Finnish European, 0.000085%; no homozygotes.

Submission:

Labcorp Genetics (formerly Invitae), Labcorp
Classification: Uncertain significance. Last evaluated: 2024-10-06. Review status: criteria provided, single submitter. Criteria: Invitae Variant Classification Sherloc (09022015). Collection method: clinical testing. Allele origin: germline.
Comment: This sequence change replaces glutamic acid, which is acidic and polar, with alanine, which is neutral and non-polar, at codon 953 of the ERBIN protein (p.Glu953Ala). This variant is not present in population databases (gnomAD no frequency). This variant has not been reported in the literature in individuals affected with ERBIN-related conditions. An algorithm developed to predict the effect of missense changes on protein structure and function (PolyPhen-2) suggests that this variant is likely to be disruptive. In summary, the available evidence is currently insufficient to determine the role of this variant in disease. Therefore, it has been classified as a Variant of Uncertain Significance.

NM_001253697.2(ERBIN):c.2858A>C (p.Glu953Ala)

Gene: ERBIN (erbb2 interacting protein; plus strand). Cytogenetic location: 5q12.3.
Variant type: single nucleotide variant.
Coding change: c.2858A>C on transcript NM_001253697.2 (MANE Select); coding-DNA position 2858, A replaced by C.
Protein change: p.Glu953Ala; replaces glutamic acid 953 with alanine.
Molecular consequence: missense variant.
Genome position (GRCh38, 1-based): chr5:66,054,176, A>C. VCF-style: chr5-66054176-A-C. GRCh37 (hg19) VCF-style: chr5-65350004-A-C.
Other names: c.2858A>C, p.Glu953Ala (NM_001006600.3, NM_001253698.2, NM_001253699.2 and 1 more transcripts); c.2846A>C, p.Glu949Ala (NM_001253701.2); short protein forms E949A, E953A.
Identifiers: ClinVar variation 2703463 (VCV002703463.3), dbSNP rs2546813464, ClinGen allele CA359868090.
Genomic context (GRCh38, chr5:66,054,176, plus strand): 5'-CTTCTGATTTAATATCAGGAACAAAGGCAATTTTCAAGTTTGATTCAAATCATAATCCCG[A>C]AGAGCCAAATATAATAAGAGGCCCCACAAGTGGCCCACAATCTGCACCTCAAATATATGG-3'
Protein context (NP_001240626.1, residues 943-963): IFKFDSNHNP[Glu953Ala]EPNIIRGPTS